The following is an entry in ClinVar:

ClinVar aggregate classification (germline): Conflicting classifications of pathogenicity. Review status: criteria provided, conflicting classifications (1 of 4 stars). 2 submissions from 2 submitters: Uncertain significance (1); Likely benign (1). Last evaluated 2025-03-31.

Conditions:
T-B+ severe combined immunodeficiency due to JAK3 deficiency. Also called: SCID, T CELL-NEGATIVE, B CELL-POSITIVE, NK CELL-NEGATIVE; SCID, autosomal recessive, T-negative/B-positive type. Identifiers: Orphanet 35078, MedGen C1833275, MONDO:0010938, OMIM 600802.

Allele frequency attached by ClinVar (database versions not stated): gnomAD exomes 0.00001; gnomAD 0.00002; TOPMed 0.00002.
gnomAD v4.1: 7 of 1,607,858 alleles (0.00044%); highest among the groups gnomAD compares: Admixed American, 0.0034%; no homozygotes.

Submissions (2):

Labcorp Genetics (formerly Invitae), Labcorp
Classification: Likely benign for T-B+ severe combined immunodeficiency due to JAK3 deficiency. Last evaluated: 2025-03-31. Review status: criteria provided, single submitter. Criteria: Invitae Variant Classification Sherloc (09022015). Collection method: clinical testing. Allele origin: germline.

Center for Genomics, Ann and Robert H. Lurie Children's Hospital of Chicago
Classification: Uncertain significance for T-B+ severe combined immunodeficiency due to JAK3 deficiency. Last evaluated: 2021-03-30. Review status: criteria provided, single submitter. Criteria: ACMG Guidelines, 2015. Collection method: clinical testing. Allele origin: germline.
Comment: JAK3 NM_000215.3 exon 2 p.Pro38= (c.114C>A): This variant has not been reported in the literature but is present in 1/103474 European alleles in the Genome Aggregation Database. Evolutionary conservation and computational predictive tools for this variant are limited or unavailable. Of note, this variant is a silent variant and does not change the amino acid, reducing the probability that this variant is disease causing. In summary, data on this variant is insufficient for disease classification. Therefore, the clinical significance of this variant is uncertain.

NM_000215.4(JAK3):c.114C>A (p.Pro38=)

Gene: JAK3 (Janus kinase 3; minus strand). Cytogenetic location: 19p13.11.
Variant type: single nucleotide variant.
Coding change: c.114C>A on transcript NM_000215.4 (MANE Select); coding-DNA position 114, C replaced by A.
Protein change: p.Pro38=; no amino-acid change (proline 38 retained).
Molecular consequence: synonymous variant.
Genome position (GRCh38, 1-based): chr19:17,844,304, G>T on the plus strand (C>A on the coding strand, the complement: JAK3 is on the minus strand). VCF-style: chr19-17844304-G-T. GRCh37 (hg19) VCF-style: chr19-17955113-G-T.
Identifiers: ClinVar variation 626122 (VCV000626122.11), dbSNP rs1448668382, ClinGen allele CA506005175.